The following is an entry in ClinVar:

ClinVar aggregate classification (germline): Likely benign (0 of 4 stars; one submission).

Conditions:
ARHGEF28-related disorder. Also called: ARHGEF28-related condition.

Allele frequency attached by ClinVar (database versions not stated): gnomAD exomes 0.00003; ExAC 0.00007; ESP Exome Variant Server 0.00017; gnomAD 0.00019; TOPMed 0.00026.
gnomAD v4.1: 68 of 1,594,012 alleles (0.0043%); highest among the groups gnomAD compares: African/African-American, 0.082%; no homozygotes.

Submission:

PreventionGenetics, part of Exact Sciences
Classification: Likely benign for ARHGEF28-related condition. Last evaluated: 2022-11-28. Review status: no assertion criteria provided. Collection method: clinical testing. Allele origin: germline.
Comment: This variant is classified as likely benign based on ACMG/AMP sequence variant interpretation guidelines (Richards et al. 2015 PMID: 25741868, with internal and published modifications).

NM_001177693.2(ARHGEF28):c.645G>A (p.Val215=)

Gene: ARHGEF28 (Rho guanine nucleotide exchange factor 28; plus strand). Cytogenetic location: 5q13.2.
Variant type: single nucleotide variant.
Coding change: c.645G>A on transcript NM_001177693.2 (MANE Select); coding-DNA position 645, G replaced by A.
Protein change: p.Val215=; no amino-acid change (valine 215 retained).
Molecular consequence: synonymous variant.
Genome position (GRCh38, 1-based): chr5:73,774,024, G>A. VCF-style: chr5-73774024-G-A. GRCh37 (hg19) VCF-style: chr5-73069849-G-A.
Other names: c.645G>A, p.Val215= (NM_001080479.3, NM_001388078.1); c.351G>A, p.Val117= (NM_001388076.1).
Identifiers: ClinVar variation 3054610 (VCV003054610.2), dbSNP rs376157847, ClinGen allele CA3304237.
Genomic context (GRCh38, chr5:73,774,024, plus strand): 5'-CAACGAAGAGGGTGCCACACCATTAGACTTAGCTTTACGTGAAGGACACTCCAAGCTGGT[G>A]GAAGACGTCACAAAGTGAGTTTAGCTACTTGATAGTCTCTCTCTTATTTGTATAAAGTCG-3'
Protein context (NP_001171164.1, residues 205-225): LALREGHSKL[Val215=]EDVTNFQGRW